The following is an entry in ClinVar:

NM_001211.6(BUB1B):c.3076A>G (p.Thr1026Ala)

Genes: BUB1B (BUB1 mitotic checkpoint serine/threonine kinase B; plus strand), BUB1B-PAK6 (BUB1B-PAK6 readthrough; plus strand). Cytogenetic location: 15q15.1.
Variant type: single nucleotide variant.
Coding change: c.3076A>G on transcript NM_001211.6 (MANE Select); coding-DNA position 3076, A replaced by G.
Protein change: p.Thr1026Ala; replaces threonine 1026 with alanine.
Molecular consequence: missense variant. On other transcripts: intron variant (2).
Genome position (GRCh38, 1-based): chr15:40,220,682, A>G. VCF-style: chr15-40220682-A-G. GRCh37 (hg19) VCF-style: chr15-40512883-A-G.
Other names: c.-201+3015A>G (NM_001128628.3); c.-118+3015A>G (NM_001128629.3); short protein forms T1026A.
Identifiers: ClinVar variation 1036336 (VCV001036336.13), dbSNP rs771709698, ClinGen allele CA7476193.

ClinVar aggregate classification (germline): Uncertain significance. Review status: criteria provided, multiple submitters, no conflicts (2 of 4 stars). 2 submissions from 2 submitters: Uncertain significance (2). Last evaluated 2025-08-25.

Conditions:
Mosaic variegated aneuploidy syndrome 1 (MVA1). Also called: Warburton-Anyane-Yeboa syndrome. Identifiers: Orphanet 1052, MedGen C1850343, MONDO:0009759, OMIM 257300.
Inborn genetic diseases. Identifiers: MedGen C0950123, MeSH D030342.

Allele frequency attached by ClinVar (database versions not stated): ExAC 0.00001; gnomAD exomes 0.00001.
gnomAD v4.1: 5 of 1,614,242 alleles (0.00031%); highest among the groups gnomAD compares: Non-Finnish European, 0.00042%; no homozygotes.

Submissions (2):

Ambry Genetics
Classification: Uncertain significance for Inborn genetic diseases. Last evaluated: 2025-08-25. Review status: criteria provided, single submitter. Criteria: Ambry Variant Classification Scheme 2023. Collection method: clinical testing. Allele origin: germline.
Comment: The p.T1026A variant (also known as c.3076A>G), located in coding exon 23 of the BUB1B gene, results from an A to G substitution at nucleotide position 3076. The threonine at codon 1026 is replaced by alanine, an amino acid with similar properties. This amino acid position is conserved. In addition, this alteration is predicted to be tolerated by in silico analysis. Since supporting evidence is limited at this time, the clinical significance of this alteration remains unclear.

Labcorp Genetics (formerly Invitae), Labcorp
Classification: Uncertain significance for Mosaic variegated aneuploidy syndrome 1. Last evaluated: 2020-09-02. Review status: criteria provided, single submitter. Criteria: Invitae Variant Classification Sherloc (09022015). Collection method: clinical testing. Allele origin: germline.
Comment: In summary, the available evidence is currently insufficient to determine the role of this variant in disease. Therefore, it has been classified as a Variant of Uncertain Significance. Algorithms developed to predict the effect of missense changes on protein structure and function output the following: SIFT: "Tolerated"; PolyPhen-2: "Benign"; Align-GVGD: "Class C0". The alanine amino acid residue is found in multiple mammalian species, suggesting that this missense change does not adversely affect protein function. These predictions have not been confirmed by published functional studies and their clinical significance is uncertain. This variant has not been reported in the literature in individuals with BUB1B-related conditions. This variant is present in population databases (rs771709698, ExAC 0.001%). This sequence change replaces threonine with alanine at codon 1026 of the BUB1B protein (p.Thr1026Ala). The threonine residue is weakly conserved and there is a small physicochemical difference between threonine and alanine.